The following is an entry in ClinVar:

ClinVar aggregate classification (germline): Uncertain significance (1 of 4 stars; one submission).

Conditions:
Early Myoclonic Encephalopathy. Identifiers: MedGen C0270855.

Allele frequency attached by ClinVar (database versions not stated): gnomAD exomes below 0.00001; TOPMed 0.00001.
gnomAD v4.1: 1 of 1,613,842 alleles (0.000062%); highest among the groups gnomAD compares: South Asian, 0.0011%; no homozygotes.

Submission:

Labcorp Genetics (formerly Invitae), Labcorp
Classification: Uncertain significance for Early Myoclonic Encephalopathy. Last evaluated: 2024-02-17. Review status: criteria provided, single submitter. Criteria: Invitae Variant Classification Sherloc (09022015). Collection method: clinical testing. Allele origin: germline.
Comment: This sequence change replaces serine, which is neutral and polar, with leucine, which is neutral and non-polar, at codon 584 of the JMJD1C protein (p.Ser584Leu). This variant is not present in population databases (gnomAD no frequency). This variant has not been reported in the literature in individuals affected with JMJD1C-related conditions. ClinVar contains an entry for this variant (Variation ID: 960536). Advanced modeling of protein sequence and biophysical properties (such as structural, functional, and spatial information, amino acid conservation, physicochemical variation, residue mobility, and thermodynamic stability) performed at Invitae indicates that this missense variant is not expected to disrupt JMJD1C protein function with a negative predictive value of 80%. In summary, the available evidence is currently insufficient to determine the role of this variant in disease. Therefore, it has been classified as a Variant of Uncertain Significance.

NM_032776.3(JMJD1C):c.1751C>T (p.Ser584Leu)

Gene: JMJD1C (jumonji domain containing 1C; minus strand). Cytogenetic location: 10q21.3.
Variant type: single nucleotide variant.
Coding change: c.1751C>T on transcript NM_032776.3 (MANE Select); coding-DNA position 1751, C replaced by T.
Protein change: p.Ser584Leu; replaces serine 584 with leucine.
Molecular consequence: missense variant. On other transcripts: non-coding transcript variant (1).
Genome position (GRCh38, 1-based): chr10:63,214,416, G>A on the plus strand (C>T on the coding strand, the complement: JMJD1C is on the minus strand). VCF-style: chr10-63214416-G-A. GRCh37 (hg19) VCF-style: chr10-64974176-G-A.
Other names: c.1205C>T, p.Ser402Leu (NM_001282948.2, NM_001318154.2); c.887C>T, p.Ser296Leu (NM_001318153.2); c.1637C>T, p.Ser546Leu (NM_001322252.2); c.1094C>T, p.Ser365Leu (NM_001322254.2, NM_001322258.2); short protein forms S296L, S546L, S365L, S402L, S584L.
Identifiers: ClinVar variation 960536 (VCV000960536.9), dbSNP rs1564621742, ClinGen allele CA377047866.